The following is an entry in ClinVar:

ClinVar aggregate classification (germline): Conflicting classifications of pathogenicity. Review status: criteria provided, conflicting classifications (1 of 4 stars). 2 submissions from 2 submitters: Uncertain significance (1); Likely benign (1). Last evaluated 2024-11-18.

Conditions:
Landau-Kleffner syndrome (FESD). Also called: APHASIA, ACQUIRED, WITH EPILEPSY; EPILEPSY, FOCAL, WITH SPEECH DISORDER AND WITH OR WITHOUT MENTAL RETARDATION. Identifiers: Orphanet 1945, Orphanet 725, Orphanet 98818, MedGen C0282512, MONDO:0009509, OMIM 245570.

Allele frequency attached by ClinVar (database versions not stated): ExAC 0.00001; TOPMed 0.00002; gnomAD 0.00001; gnomAD exomes 0.00001.
gnomAD v4.1: 8 of 1,613,898 alleles (0.0005%); highest among the groups gnomAD compares: Admixed American, 0.0067%; no homozygotes.

Submissions (2):

Labcorp Genetics (formerly Invitae), Labcorp
Classification: Likely benign for Landau-Kleffner syndrome. Last evaluated: 2024-11-18. Review status: criteria provided, single submitter. Criteria: Invitae Variant Classification Sherloc (09022015). Collection method: clinical testing. Allele origin: germline.

GeneDx
Classification: Uncertain significance. Last evaluated: 2022-05-09. Review status: criteria provided, single submitter. Criteria: GeneDx Variant Classification Process June 2021. Collection method: clinical testing. Allele origin: germline. Affected: yes.
Comment: In silico analysis supports that this missense variant does not alter protein structure/function; Has not been previously published as pathogenic or benign to our knowledge

NM_001134407.3(GRIN2A):c.3623G>A (p.Arg1208Gln)

Gene: GRIN2A (glutamate ionotropic receptor NMDA type subunit 2A; minus strand). Cytogenetic location: 16p13.2.
Variant type: single nucleotide variant.
Coding change: c.3623G>A on transcript NM_001134407.3 (MANE Select); coding-DNA position 3623, G replaced by A.
Protein change: p.Arg1208Gln; replaces arginine 1208 with glutamine.
Molecular consequence: missense variant.
Genome position (GRCh38, 1-based): chr16:9,763,921, C>T on the plus strand (G>A on the coding strand, the complement: GRIN2A is on the minus strand). VCF-style: chr16-9763921-C-T. GRCh37 (hg19) VCF-style: chr16-9857778-C-T.
Other names: c.3623G>A, p.Arg1208Gln (NM_000833.5, NM_001134408.2); short protein forms R1208Q.
Identifiers: ClinVar variation 1345210 (VCV001345210.8), dbSNP rs780055204, ClinGen allele CA7896277.